The following is an entry in ClinVar:

NM_020461.4(TUBGCP6):c.1867C>T (p.Arg623Trp)

Gene: TUBGCP6 (tubulin gamma complex component 6; minus strand). Cytogenetic location: 22q13.33.
Variant type: single nucleotide variant.
Coding change: c.1867C>T on transcript NM_020461.4 (MANE Select); coding-DNA position 1867, C replaced by T.
Protein change: p.Arg623Trp; replaces arginine 623 with tryptophan.
Molecular consequence: missense variant.
Genome position (GRCh38, 1-based): chr22:50,225,910, G>A on the plus strand (C>T on the coding strand, the complement: TUBGCP6 is on the minus strand). VCF-style: chr22-50225910-G-A. GRCh37 (hg19) VCF-style: chr22-50664339-G-A.
Other names: short protein forms R623W.
Identifiers: ClinVar variation 1018934 (VCV001018934.7), dbSNP rs141834192, ClinGen allele CA10308472.

ClinVar aggregate classification (germline): Uncertain significance. Review status: criteria provided, multiple submitters, no conflicts (2 of 4 stars). 2 submissions from 2 submitters: Uncertain significance (2). Last evaluated 2023-07-25.

Allele frequency attached by ClinVar (database versions not stated): gnomAD exomes below 0.00001 and 0.00002; ExAC 0.00001; gnomAD 0.00002; TOPMed 0.00002; ESP Exome Variant Server 0.00008.
gnomAD v4.1: 27 of 1,613,598 alleles (0.0017%); highest among the groups gnomAD compares: East Asian, 0.0022%; no homozygotes.

Submissions (2):

Blueprint Genetics
Classification: Uncertain significance. Last evaluated: 2023-07-25. Review status: criteria provided, single submitter. Criteria: ACMG Guidelines, 2015. Collection method: clinical testing. Allele origin: germline.

Labcorp Genetics (formerly Invitae), Labcorp
Classification: Uncertain significance. Last evaluated: 2022-07-19. Review status: criteria provided, single submitter. Criteria: Invitae Variant Classification Sherloc (09022015). Collection method: clinical testing. Allele origin: germline.
Comment: This sequence change replaces arginine, which is basic and polar, with tryptophan, which is neutral and slightly polar, at codon 623 of the TUBGCP6 protein (p.Arg623Trp). This variant is present in population databases (rs141834192, gnomAD 0.0009%). This variant has not been reported in the literature in individuals affected with TUBGCP6-related conditions. ClinVar contains an entry for this variant (Variation ID: 1018934). Algorithms developed to predict the effect of missense changes on protein structure and function are either unavailable or do not agree on the potential impact of this missense change (SIFT: "Deleterious"; PolyPhen-2: "Probably Damaging"; Align-GVGD: "Class C0"). In summary, the available evidence is currently insufficient to determine the role of this variant in disease. Therefore, it has been classified as a Variant of Uncertain Significance.